The following is an entry in ClinVar:

NM_024757.5(EHMT1):c.2505+1110C>T

Gene: EHMT1 (euchromatic histone lysine methyltransferase 1; plus strand). Cytogenetic location: 9q34.3.
Variant type: single nucleotide variant.
Coding change: c.2505+1110C>T on transcript NM_024757.5 (MANE Select); 1110 bases into the intron after coding-DNA position 2505, C replaced by T.
Molecular consequence: intron variant. On other transcripts: missense variant (1).
Genome position (GRCh38, 1-based): chr9:137,792,080, C>T. VCF-style: chr9-137792080-C-T. GRCh37 (hg19) VCF-style: chr9-140686532-C-T.
Other names: c.2438C>T, p.Thr813Met (NM_001354259.2); c.2484+1110C>T (NM_001354263.2); short protein forms T813M.
Identifiers: ClinVar variation 3058138 (VCV003058138.3), dbSNP rs748524298, ClinGen allele CA5374966.
Genomic context (GRCh38, chr9:137,792,080, plus strand): 5'-ACCATGCCCAGCGCTAACAGCTTTTTTTTTTACAGATACAGAAAACTTCTAAAGTTTATA[C>T]GGAGTCTCAAGAGACCCAGAGAAGCCAAACAATTTTGTGAAAGAACAGAGTTGGAGAACT-3'

ClinVar aggregate classification (germline): Uncertain significance. Review status: criteria provided, single submitter (1 of 4 stars). 2 submissions from 2 submitters: Uncertain significance (1). 1 of the submissions does not count toward it. Last evaluated 2021-07-30.

Conditions:
Kleefstra syndrome 1 (KLEFS1). Identifiers: Orphanet 261494, MedGen C0795833, MONDO:0027407, OMIM 610253.
EHMT1-related disorder. Also called: EHMT1-related condition.

Allele frequency attached by ClinVar (database versions not stated): ExAC 0.00007; gnomAD exomes 0.00010; gnomAD 0.00014; TOPMed 0.00011.
gnomAD v4.1: 50 of 469,334 alleles (0.011%); highest among the groups gnomAD compares: Middle Eastern, 0.032%; no homozygotes.

Submissions (2):

Department of Pathology and Laboratory Medicine, Sinai Health System
Classification: Uncertain significance for Kleefstra syndrome 1. Last evaluated: 2021-07-30. Review status: criteria provided, single submitter. Criteria: ACMG Guidelines, 2015. Collection method: research. Allele origin: germline.

PreventionGenetics, part of Exact Sciences
Classification: Likely benign for EHMT1-related condition. Last evaluated: 2023-10-31. Review status: no assertion criteria provided. Collection method: clinical testing. Allele origin: germline. Not counted in ClinVar's aggregate classification.
Comment: This variant is classified as likely benign based on ACMG/AMP sequence variant interpretation guidelines (Richards et al. 2015 PMID: 25741868, with internal and published modifications).